The following is an entry in ClinVar:

NM_001080467.3(MYO5B):c.2572-5G>A

Gene: MYO5B (myosin VB; minus strand). Cytogenetic location: 18q21.1.
Variant type: single nucleotide variant.
Coding change: c.2572-5G>A on transcript NM_001080467.3 (MANE Select); 5 bases into the intron before coding-DNA position 2572, G replaced by A.
Molecular consequence: intron variant.
Genome position (GRCh38, 1-based): chr18:49,902,838, C>T on the plus strand (G>A on the coding strand, the complement: MYO5B is on the minus strand). VCF-style: chr18-49902838-C-T. GRCh37 (hg19) VCF-style: chr18-47429208-C-T.
Identifiers: ClinVar variation 327043 (VCV000327043.13), dbSNP rs749018115, ClinGen allele CA8961009.

ClinVar aggregate classification (germline): Conflicting classifications of pathogenicity. Review status: criteria provided, conflicting classifications (1 of 4 stars). 3 submissions from 3 submitters: Uncertain significance (1); Likely benign (2). Last evaluated 2025-11-18.

Conditions:
Congenital microvillous atrophy (DIAR2). Also called: Microvillus inclusion disease; MICROVILLUS ATROPHY, CONGENITAL; CONGENITAL FAMILIAL PROTRACTED DIARRHEA WITH ENTEROCYTE BRUSH-BORDER ABNORMALITIES; DAVIDSON DISEASE; Diarrhea 2 with microvillus atrophy, with or without cholestasis. Identifiers: Orphanet 2290, MedGen C0341306, MONDO:0009635, OMIM 251850.
MYO5B-related disorder. Also called: MYO5B-related condition.

Allele frequency attached by ClinVar (database versions not stated): gnomAD exomes 0.00002; ExAC 0.00003; TOPMed 0.00003; gnomAD 0.00004.
gnomAD v4.1: 40 of 1,598,848 alleles (0.0025%); highest among the groups gnomAD compares: East Asian, 0.013%; no homozygotes.

Submissions (3):

PreventionGenetics, part of Exact Sciences
Classification: Likely benign for MYO5B-related condition. Last evaluated: 2025-11-18. Review status: criteria provided, single submitter. Criteria: ACMG Guidelines, 2015. Collection method: clinical testing. Allele origin: germline.
Comment: This variant is classified as likely benign based on ACMG/AMP sequence variant interpretation guidelines (Richards et al. 2015 PMID: 25741868, with internal and published modifications).

Labcorp Genetics (formerly Invitae), Labcorp
Classification: Likely benign. Last evaluated: 2025-09-01. Review status: criteria provided, single submitter. Criteria: Invitae Variant Classification Sherloc (09022015). Collection method: clinical testing. Allele origin: germline.

Illumina Laboratory Services, Illumina
Classification: Uncertain significance for Congenital microvillous atrophy. Last evaluated: 2018-01-13. Review status: criteria provided, single submitter. Criteria: ICSL Variant Classification Criteria 13 December 2019. Collection method: clinical testing. Allele origin: germline.